The following is an entry in ClinVar:

ClinVar aggregate classification (germline): Likely pathogenic (0 of 4 stars; one submission).

Conditions:
Congenital anomaly of kidney and urinary tract. Also called: Congenital anomalies of kidney and urinary tract; Congenital anomalies of the kidney and urinary tract. Identifiers: Orphanet 93545, MedGen C1968949, MeSH C566906, MONDO:0019719.

Submission:

Sydney Genome Diagnostics, Children's Hospital Westmead
Classification: Likely pathogenic for Congenital anomaly of kidney and urinary tract. Last evaluated: 2019-10-21. Review status: no assertion criteria provided. Collection method: clinical testing. Allele origin: unknown. Affected: yes. Observed: 1 variant allele, 1 heterozygote.
Comment: The variant has not been reported in any population databases (i.e. gnomAD, ExAC, ESP or dbSNP). To our knowledge, this variant has not been previously reported in the literature or any disease specific databases. In silico analysis of pathogenicity (through Alamut Visual v2.8.1) predicts that this variant abolishes the splice donor site. This variant is considered to be likely pathogenic according to the ACMG guidelines (Evidence used: PVS1, PM2).

NM_001002295.2(GATA3):c.1050+2T>A

Gene: GATA3 (GATA binding protein 3; plus strand). Cytogenetic location: 10p14.
Variant type: single nucleotide variant.
Coding change: c.1050+2T>A on transcript NM_001002295.2 (MANE Select); the canonical splice donor site of the intron after coding-DNA position 1050, T replaced by A.
Molecular consequence: splice donor variant.
Genome position (GRCh38, 1-based): chr10:8,069,600, T>A. VCF-style: chr10-8069600-T-A. GRCh37 (hg19) VCF-style: chr10-8111563-T-A.
Other names: c.1047+2T>A (NM_002051.3).
Identifiers: ClinVar variation 988260 (VCV000988260.1), dbSNP rs1832899364, ClinGen allele CA375975200.